The following is an entry in ClinVar:

ClinVar aggregate classification (germline): Likely pathogenic (1 of 4 stars; one submission).

Conditions:
Biotinidase deficiency. Also called: BTD deficiency; Late-onset biotin-responsive multiple carboxylase deficiency; Biotin deficiency. Identifiers: Orphanet 79241, MedGen C0220754, MONDO:0009665, OMIM 253260.

Submission:

Myriad Genetics, Inc.
Classification: Likely pathogenic for Biotinidase deficiency. Last evaluated: 2022-01-28. Review status: criteria provided, single submitter. Criteria: Myriad Women's Health Autosomal Recessive and X-Linked Classification Criteria (2021). Collection method: clinical testing. Allele origin: unknown.
Comment: NM_000060.2(BTD):c.237_238delCC(Q80Rfs*11) is expected to be pathogenic in the context of biotinidase deficiency. This variant is predicted to lead to an abnormal or absent protein product due to the creation of a premature termination codon in BTD, a gene where loss-of-function variants are known to be pathogenic. Please note: this variant was assessed in the context of healthy population screening.

NM_001370658.1(BTD):c.177_178del (p.Gln60fs)

Gene: BTD (biotinidase; plus strand). Cytogenetic location: 3p25.1.
Variant type: Deletion.
Coding change: c.177_178del on transcript NM_001370658.1 (MANE Select); coding-DNA positions 177 to 178, 2 bases deleted (CC; older notation c.177_178delCC).
Protein change: p.Gln60fs; shifts the reading frame from glutamine 60.
Molecular consequence: frameshift variant.
Genome position (GRCh38, 1-based): chr3:15,635,616-15,635,617, CC deleted. VCF-style (leftmost placement, unchanged base first): chr3-15635615-GCC-G. GRCh37 (hg19) VCF-style: chr3-15677122-GCC-G.
Other names: c.237_238delCC, p.Gln80Argfs (NM_000060.4); c.177_178delCC, p.Gln60Argfs (NM_001281723.4, NM_001281725.3, NM_001281726.3 and 34 more transcripts); c.177_178del, p.Gln60fs (NM_001281724.3, NM_001370752.1, NM_001370753.1); short protein forms Q60fs.
Identifiers: ClinVar variation 1724160 (VCV001724160.2), dbSNP rs2471442152, ClinGen allele CA2580068535.